The following is an entry in ClinVar:

NM_001244008.2(KIF1A):c.2329C>T (p.Pro777Ser)

Gene: KIF1A (kinesin family member 1A; minus strand). Cytogenetic location: 2q37.3.
Variant type: single nucleotide variant.
Coding change: c.2329C>T on transcript NM_001244008.2 (MANE Select); coding-DNA position 2329, C replaced by T.
Protein change: p.Pro777Ser; replaces proline 777 with serine.
Molecular consequence: missense variant.
Genome position (GRCh38, 1-based): chr2:240,760,780, G>A on the plus strand (C>T on the coding strand, the complement: KIF1A is on the minus strand). VCF-style: chr2-240760780-G-A. GRCh37 (hg19) VCF-style: chr2-241700197-G-A.
Other names: c.2329C>T, p.Pro777Ser (NM_001320705.2, NM_001330289.2, NM_001379638.1); c.2404C>T, p.Pro802Ser (NM_001330290.2, NM_001379631.1, NM_001379634.1 and 2 more transcripts); c.2302C>T, p.Pro768Ser (NM_001379632.1, NM_001379633.1, NM_001379636.1 and 11 more transcripts); c.2377C>T, p.Pro793Ser (NM_001379637.1, NM_001379648.1); short protein forms P793S, P768S, P802S, P777S.
Identifiers: ClinVar variation 2145590 (VCV002145590.4), dbSNP rs770862204, ClinGen allele CA2208126.

ClinVar aggregate classification (germline): Uncertain significance (1 of 4 stars; one submission).

Conditions:
Neuropathy, hereditary sensory, type 2C. Also called: Hereditary sensory and autonomic neuropathy type IIC; KIF1A-Related HSAN2 (HSAN2C). Identifiers: Orphanet 970, MedGen C3280168, MONDO:0013634, OMIM 614213.
Intellectual disability, autosomal dominant 9 (NESCAVS). Also called: NESCAV SYNDROME; KIF1A-Related Neurodevelopmental Disorder. Identifiers: Orphanet 662367, MedGen C5393830, MONDO:0013656, OMIM 614255.
Hereditary spastic paraplegia 30. Identifiers: Orphanet 101010, MedGen C5235139, MONDO:0012476.

Allele frequency attached by ClinVar (database versions not stated): ExAC 0.00001.
gnomAD v4.1: 6 of 1,604,606 alleles (0.00037%); highest among the groups gnomAD compares: Non-Finnish European, 0.00051%; no homozygotes.

Submission:

Labcorp Genetics (formerly Invitae), Labcorp
Classification: Uncertain significance for Hereditary spastic paraplegia 30; Neuropathy, hereditary sensory, type 2C; Intellectual disability, autosomal dominant 9. Last evaluated: 2022-02-01. Review status: criteria provided, single submitter. Criteria: Invitae Variant Classification Sherloc (09022015). Collection method: clinical testing. Allele origin: germline.
Comment: This sequence change replaces proline, which is neutral and non-polar, with serine, which is neutral and polar, at codon 768 of the KIF1A protein (p.Pro768Ser). This variant is not present in population databases (gnomAD no frequency). This variant has not been reported in the literature in individuals affected with KIF1A-related conditions. Algorithms developed to predict the effect of missense changes on protein structure and function are either unavailable or do not agree on the potential impact of this missense change (SIFT: "Deleterious"; PolyPhen-2: "Benign"; Align-GVGD: "Class C0"). In summary, the available evidence is currently insufficient to determine the role of this variant in disease. Therefore, it has been classified as a Variant of Uncertain Significance.